The following is an entry in ClinVar:

NM_004260.4(RECQL4):c.3263G>A (p.Cys1088Tyr)

Gene: RECQL4 (RecQ like helicase 4; minus strand). Cytogenetic location: 8q24.3.
Variant type: single nucleotide variant.
Coding change: c.3263G>A on transcript NM_004260.4 (MANE Select); coding-DNA position 3263, G replaced by A.
Protein change: p.Cys1088Tyr; replaces cysteine 1088 with tyrosine.
Molecular consequence: missense variant.
Genome position (GRCh38, 1-based): chr8:144,512,041, C>T on the plus strand (G>A on the coding strand, the complement: RECQL4 is on the minus strand). VCF-style: chr8-144512041-C-T. GRCh37 (hg19) VCF-style: chr8-145737424-C-T.
Other names: short protein forms C1088Y.
Identifiers: ClinVar variation 997474 (VCV000997474.6), dbSNP rs780200030, ClinGen allele CA372669172.

ClinVar aggregate classification (germline): Uncertain significance. Review status: criteria provided, multiple submitters, no conflicts (2 of 4 stars). 2 submissions from 2 submitters: Uncertain significance (2). Last evaluated 2023-10-04.

Conditions:
Baller-Gerold syndrome (BGS). Also called: CRANIOSYNOSTOSIS WITH RADIAL DEFECTS. Identifiers: Orphanet 1225, MedGen C0265308, MONDO:0009039, OMIM 218600.
Rothmund-Thomson syndrome type 2 (RTS2). Identifiers: Orphanet 221016, MedGen C5203410, MONDO:0016369, OMIM 268400.

Allele frequency attached by ClinVar (database versions not stated): gnomAD 0.00001; TOPMed 0.00001.

Submissions (2):

Labcorp Genetics (formerly Invitae), Labcorp
Classification: Uncertain significance for Baller-Gerold syndrome. Last evaluated: 2023-10-04. Review status: criteria provided, single submitter. Criteria: Invitae Variant Classification Sherloc (09022015). Collection method: clinical testing. Allele origin: germline.
Comment: This sequence change replaces cysteine, which is neutral and slightly polar, with tyrosine, which is neutral and polar, at codon 1088 of the RECQL4 protein (p.Cys1088Tyr). The frequency data for this variant in the population databases is considered unreliable, as metrics indicate poor data quality at this position in the gnomAD database. This variant has not been reported in the literature in individuals affected with RECQL4-related conditions. ClinVar contains an entry for this variant (Variation ID: 997474). Advanced modeling of protein sequence and biophysical properties (such as structural, functional, and spatial information, amino acid conservation, physicochemical variation, residue mobility, and thermodynamic stability) performed at Invitae indicates that this missense variant is expected to disrupt RECQL4 protein function. In summary, the available evidence is currently insufficient to determine the role of this variant in disease. Therefore, it has been classified as a Variant of Uncertain Significance.

Baylor Genetics
Classification: Uncertain significance for Rothmund-Thomson syndrome type 2. Last evaluated: 2020-01-22. Review status: criteria provided, single submitter. Criteria: ACMG Guidelines, 2015. Collection method: clinical testing. Allele origin: unknown. Affected: yes. Study: CSER-TexasKidsCanSeq.
Comment: This variant was determined to be of uncertain significance according to ACMG Guidelines, 2015 [PMID:25741868].